The following is an entry in ClinVar:

NM_000179.3(MSH6):c.3594C>T (p.Ala1198=)

Gene: MSH6 (mutS homolog 6; plus strand). Cytogenetic location: 2p16.3.
Variant type: single nucleotide variant.
Coding change: c.3594C>T on transcript NM_000179.3 (MANE Select); coding-DNA position 3594, C replaced by T.
Protein change: p.Ala1198=; no amino-acid change (alanine 1198 retained).
Molecular consequence: synonymous variant.
Genome position (GRCh38, 1-based): chr2:47,805,655, C>T. VCF-style: chr2-47805655-C-T. GRCh37 (hg19) VCF-style: chr2-48032794-C-T.
Other names: c.3204C>T, p.Ala1068= (NM_001281492.2); c.2688C>T, p.Ala896= (NM_001281493.2, NM_001281494.2).
Identifiers: ClinVar variation 758607 (VCV000758607.17), dbSNP rs1572741843, ClinGen allele CA425997278.

ClinVar aggregate classification (germline): Benign/Likely benign. Review status: criteria provided, multiple submitters, no conflicts (2 of 4 stars). 5 submissions from 5 submitters: Benign (1); Likely benign (4). Last evaluated 2025-11-19.

Conditions:
Hereditary cancer-predisposing syndrome. Also called: Tumor predisposition; Neoplastic Syndromes, Hereditary; Hereditary Cancer Syndrome; Hereditary neoplastic syndrome. Identifiers: Orphanet 140162, MedGen C0027672, MeSH D009386, MONDO:0015356.
Lynch syndrome 5 (LYNCH5). Also called: Colorectal cancer, hereditary nonpolyposis, type 5; Hereditary non-polyposis colorectal cancer, type 5. Identifiers: Orphanet 144, MedGen C1833477, MONDO:0013710, OMIM 614350. Disease mechanism: loss of function.
Hereditary nonpolyposis colorectal neoplasms. Identifiers: MedGen C0009405, MeSH D003123.

Submissions (5):

Labcorp Genetics (formerly Invitae), Labcorp
Classification: Likely benign for Hereditary nonpolyposis colorectal neoplasms. Last evaluated: 2025-11-19. Review status: criteria provided, single submitter. Criteria: Invitae Variant Classification Sherloc (09022015). Collection method: clinical testing. Allele origin: germline.

Myriad Genetics, Inc.
Classification: Benign for Lynch syndrome 5. Last evaluated: 2025-01-07. Review status: criteria provided, single submitter. Criteria: Myriad Autosomal Dominant, Autosomal Recessive and X-Linked Classification Criteria (2023). Collection method: clinical testing. Allele origin: unknown.
Comment: This variant is considered benign. This variant is a silent/synonymous amino acid change and it is not expected to impact splicing.

Ambry Genetics
Classification: Likely benign for Hereditary cancer-predisposing syndrome. Last evaluated: 2023-06-21. Review status: criteria provided, single submitter. Criteria: Ambry Variant Classification Scheme 2023. Collection method: clinical testing. Allele origin: germline.

Color Diagnostics, LLC DBA Color Health
Classification: Likely benign for Hereditary cancer-predisposing syndrome. Last evaluated: 2020-02-03. Review status: criteria provided, single submitter. Criteria: ACMG Guidelines, 2015. Collection method: clinical testing. Allele origin: germline.

Breakthrough Genomics
Classification: Likely benign. Review status: criteria provided, single submitter. Criteria: ACMG Guidelines, 2015. Collection method: not provided. Allele origin: germline. Inheritance: Autosomal recessive inheritance. Affected: yes.